The following is an entry in ClinVar:

ClinVar aggregate classification (germline): Uncertain significance (1 of 4 stars; one submission).

Conditions:
Inborn genetic diseases. Identifiers: MedGen C0950123, MeSH D030342.

Submission:

Ambry Genetics
Classification: Uncertain significance for Inborn genetic diseases. Last evaluated: 2025-10-28. Review status: criteria provided, single submitter. Criteria: Ambry Variant Classification Scheme 2023. Collection method: clinical testing. Allele origin: germline.
Comment: The p.G68V variant (also known as c.203G>T), located in coding exon 2 of the USB1 gene, results from a G to T substitution at nucleotide position 203. The glycine at codon 68 is replaced by valine, an amino acid with dissimilar properties. This amino acid position is conserved. In addition, this alteration is predicted to be deleterious by in silico analysis. Based on the available evidence, the clinical significance of this variant remains unclear.

NM_024598.4(USB1):c.203G>T (p.Gly68Val)

Gene: USB1 (U6 snRNA biogenesis phosphodiesterase 1; plus strand). Cytogenetic location: 16q21.
Variant type: single nucleotide variant.
Coding change: c.203G>T on transcript NM_024598.4 (MANE Select); coding-DNA position 203, G replaced by T.
Protein change: p.Gly68Val; replaces glycine 68 with valine.
Molecular consequence: missense variant.
Genome position (GRCh38, 1-based): chr16:58,002,583, G>T. VCF-style: chr16-58002583-G-T. GRCh37 (hg19) VCF-style: chr16-58036487-G-T.
Other names: c.203G>T, p.Gly68Val (NM_001195302.2, NM_001204911.2, NM_001330569.2); c.50G>T, p.Gly17Val (NM_001330568.2); short protein forms G17V, G68V.
Identifiers: ClinVar variation 4634200 (VCV004634200.1).